The following is an entry in ClinVar:

NM_001370259.2(MEN1):c.124G>A (p.Gly42Ser)

Gene: MEN1 (menin 1; minus strand). Cytogenetic location: 11q13.1.
Variant type: single nucleotide variant.
Coding change: c.124G>A on transcript NM_001370259.2 (MANE Select); coding-DNA position 124, G replaced by A.
Protein change: p.Gly42Ser; replaces glycine 42 with serine.
Molecular consequence: missense variant.
Genome position (GRCh38, 1-based): chr11:64,809,986, C>T on the plus strand (G>A on the coding strand, the complement: MEN1 is on the minus strand). VCF-style: chr11-64809986-C-T. GRCh37 (hg19) VCF-style: chr11-64577458-C-T.
Other names: c.124G>A, p.Gly42Ser (NM_000244.4, NM_001370251.2, NM_001370260.2 and 9 more transcripts); c.124G>A (NM_130799.2); short protein forms G42S.
Identifiers: ClinVar variation 993327 (VCV000993327.18), dbSNP rs1942013583, ClinGen allele CA381187890.

ClinVar aggregate classification (germline): Conflicting classifications of pathogenicity. Review status: criteria provided, conflicting classifications (1 of 4 stars). 3 submissions from 3 submitters: Likely pathogenic (2); Uncertain significance (1). Last evaluated 2024-12-26.

Conditions:
Hereditary cancer-predisposing syndrome. Also called: Neoplastic Syndromes, Hereditary; Hereditary neoplastic syndrome; Hereditary Cancer Syndrome; Tumor predisposition. Identifiers: Orphanet 140162, MedGen C0027672, MeSH D009386, MONDO:0015356.
Multiple endocrine neoplasia, type 1 (MEN1). Also called: MEN I; WERMER SYNDROME; Endocrine adenomatosis multiple; MEN 1; MEA I. Identifiers: Orphanet 652, MedGen C0025267, MeSH D018761, MONDO:0007540, OMIM 131100.

Submissions (3):

Ambry Genetics
Classification: Likely pathogenic for Hereditary cancer-predisposing syndrome. Last evaluated: 2024-12-26. Review status: criteria provided, single submitter. Criteria: Ambry Variant Classification Scheme 2023. Collection method: clinical testing. Allele origin: germline.
Comment: The p.G42S variant (also known as c.124G>A), located in coding exon 1 of the MEN1 gene, results from a G to A substitution at nucleotide position 124. The glycine at codon 42 is replaced by serine, an amino acid with similar properties. This variant was detected in a proband with multiple endocrine neoplasia type 1-related primary hyperparathyroidism (MHPT) (Kong J et al. PLoS One, 2016 Nov;11:e0166634). Based on internal structural analysis, p.G42S is deleterious (Ambry internal data). This variant is considered to be rare based on population cohorts in the Genome Aggregation Database (gnomAD). This amino acid position is highly conserved in available vertebrate species. In addition, this alteration is predicted to be deleterious by in silico analysis. Based on the majority of available evidence to date, this variant is likely to be pathogenic.

Labcorp Genetics (formerly Invitae), Labcorp
Classification: Uncertain significance for Multiple endocrine neoplasia, type 1. Last evaluated: 2020-07-26. Review status: criteria provided, single submitter. Criteria: Invitae Variant Classification Sherloc (09022015). Collection method: clinical testing. Allele origin: germline.
Comment: In summary, the available evidence is currently insufficient to determine the role of this variant in disease. Therefore, it has been classified as a Variant of Uncertain Significance. This variant disrupts the p.Gly42 amino acid residue in MEN1. Other variant(s) that disrupt this residue have been observed in individuals with MEN1-related conditions (PMID: 28203045, 29066490, 9463336), which suggests that this may be a clinically significant amino acid residue. Advanced modeling of protein sequence and biophysical properties (such as structural, functional, and spatial information, amino acid conservation, physicochemical variation, residue mobility, and thermodynamic stability) performed at Invitae indicates that this missense variant is expected to disrupt MEN1 protein function. This variant has been observed in individual(s) with clinical features of multiple endocrine neoplasia type 1 (PMID: 27846313). This variant is not present in population databases (ExAC no frequency). This sequence change replaces glycine with serine at codon 42 of the MEN1 protein (p.Gly42Ser). The glycine residue is highly conserved and there is a small physicochemical difference between glycine and serine.

ARUP Laboratories, Molecular Genetics and Genomics, ARUP Laboratories
Classification: Likely pathogenic. Last evaluated: 2019-10-03. Review status: criteria provided, single submitter. Criteria: ARUP Molecular Germline Variant Investigation Process. Collection method: clinical testing. Allele origin: germline.
Comment: The MEN1 c.124G>A; p.Gly42Ser variant is reported in the literature in several individuals affected with MEN1-related hyperparathyroidism and has also been observed as a somatic variant in parathyroid tumor tissue (Kong 2016, Sato 2000). This variant is absent from general population databases (Exome Variant Server, Genome Aggregation Database), indicating it is not a common polymorphism. The glycine at codon 42 is highly conserved, and computational analyses (SIFT, PolyPhen-2) predict that this variant is deleterious. Additionally, other amino acid substitutions at this codon (p.Gly42Asp, p.Gly42Val) have been reported in individuals with MEN1 and are considered disease-causing (Bassett 1998, Itoh 2017). Based on available information, the p.Gly42Ser variant is considered to be likely pathogenic. References: Bassett JH et al. Characterization of mutations in patients with multiple endocrine neoplasia type 1. Am J Hum Genet. 1998 Feb;62(2):232-44. Itoh M and Saikawa Y. A novel MEN1 mutation in a Japanese adolescent with multiple endocrine neoplasia type 1. Clin Pediatr Endocrinol. 2017 Jan;26(1):25-28. Kong J et al. Clinical and Genetic Analysis of Multiple Endocrine Neoplasia Type 1-Related Primary Hyperparathyroidism in Chinese. PLoS One. 2016 Nov 15;11(11):e0166634. Sato K et al. Somatic mutations of the multiple endocrine neoplasia type 1 (MEN1) gene in patients with sporadic, nonfamilial primary hyperparathyroidism. Surgery. 2000 Mar;127(3):337-41.

Literature cited by the submitters: PubMed 27846313 (cited by Ambry Genetics and Labcorp Genetics (formerly Invitae), Labcorp); PubMed 28203045 (cited by Labcorp Genetics (formerly Invitae), Labcorp); PubMed 29066490 (cited by Labcorp Genetics (formerly Invitae), Labcorp); PubMed 9463336 (cited by Labcorp Genetics (formerly Invitae), Labcorp).